The following is an entry in ClinVar:

ClinVar aggregate classification (germline): Uncertain significance. Review status: criteria provided, multiple submitters, no conflicts (2 of 4 stars). 3 submissions from 3 submitters: Uncertain significance (3). Last evaluated 2024-08-30.

Conditions:
RYR1-related disorder. Also called: RYR1-related condition; RYR1-related disorders. Identifiers: MedGen CN239331.
Malignant hyperthermia, susceptibility to, 1 (MHS1). Also called: Anesthesia related hyperthermia; Malignant hyperpyrexia; Fulminating hyperpyrexia; Pharmacogenic myopathy; RYR1-Related Malignant Hyperthermia Susceptibility; Malignant hyperthermia suceptibility 1. Identifiers: Orphanet 423, MedGen C2930980, MONDO:0007783, OMIM 145600.

Allele frequency attached by ClinVar (database versions not stated): TOPMed below 0.00001; ExAC 0.00001; gnomAD exomes 0.00001.
gnomAD v4.1: 14 of 1,614,196 alleles (0.00087%); highest among the groups gnomAD compares: Non-Finnish European, 0.0012%; no homozygotes.

Submissions (3):

All of Us Research Program, National Institutes of Health
Classification: Uncertain significance for Malignant hyperthermia, susceptibility to, 1. Last evaluated: 2024-08-30. Review status: criteria provided, single submitter. Criteria: ACMG Guidelines, 2015. Collection method: clinical testing. Allele origin: germline. Inheritance: Autosomal dominant inheritance. Observed: 1 variant allele, 1 heterozygote.
Comment: This study involves interpretation of variants in research participants for the purpose of population health screening. Participant phenotype was not available at the time of variant classification. Additional details can be found in publication PMID: 35346344, PMCID: PMC8962531

Labcorp Genetics (formerly Invitae), Labcorp
Classification: Uncertain significance for RYR1-related disorder. Last evaluated: 2022-09-07. Review status: criteria provided, single submitter. Criteria: Invitae Variant Classification Sherloc (09022015). Collection method: clinical testing. Allele origin: germline.
Comment: This sequence change replaces methionine, which is neutral and non-polar, with isoleucine, which is neutral and non-polar, at codon 3478 of the RYR1 protein (p.Met3478Ile). This variant is present in population databases (rs764641752, gnomAD 0.002%). This variant has not been reported in the literature in individuals affected with RYR1-related conditions. ClinVar contains an entry for this variant (Variation ID: 1481901). Advanced modeling of protein sequence and biophysical properties (such as structural, functional, and spatial information, amino acid conservation, physicochemical variation, residue mobility, and thermodynamic stability) performed at Invitae indicates that this missense variant is not expected to disrupt RYR1 protein function. In summary, the available evidence is currently insufficient to determine the role of this variant in disease. Therefore, it has been classified as a Variant of Uncertain Significance.

Revvity Omics, Revvity
Classification: Uncertain significance. Last evaluated: 2019-09-24. Review status: criteria provided, single submitter. Criteria: ACMG Guidelines, 2015. Collection method: clinical testing. Allele origin: germline.

NM_000540.3(RYR1):c.10434G>A (p.Met3478Ile)

Gene: RYR1 (ryanodine receptor 1; plus strand). Cytogenetic location: 19q13.2.
Variant type: single nucleotide variant.
Coding change: c.10434G>A on transcript NM_000540.3 (MANE Select); coding-DNA position 10434, G replaced by A.
Protein change: p.Met3478Ile; replaces methionine 3478 with isoleucine.
Molecular consequence: missense variant.
Genome position (GRCh38, 1-based): chr19:38,523,303, G>A. VCF-style: chr19-38523303-G-A. GRCh37 (hg19) VCF-style: chr19-39013943-G-A.
Other names: c.10434G>A, p.Met3478Ile (NM_001042723.2); c.10434G>A (NM_000540.2); short protein forms M3478I.
Identifiers: ClinVar variation 1481901 (VCV001481901.7), dbSNP rs764641752, ClinGen allele CA053374.
Genomic context (GRCh38, chr19:38,523,303, plus strand): 5'-TGTGGTCCAGAATGAGATCAACAACATGTCCTTCCTGACTGCTGACAACAAAAGCAAAAT[G>A]GCTAAGGTCGGGGCTTGGTTCTGGGAGGAGCACTTGGCAGAGAGGGCGGGAGCACCCTCT-3'
Protein context (NP_000531.2, residues 3468-3488): SFLTADNKSK[Met3478Ile]AKAGDIQSGG